The following is an entry in ClinVar:

ClinVar aggregate classification (germline): Likely pathogenic (1 of 4 stars; one submission).

Conditions:
Familial hypokalemia-hypomagnesemia (GTLMNS). Also called: gitelman syndrome; HYPOMAGNESEMIA-HYPOKALEMIA, PRIMARY RENOTUBULAR, WITH HYPOCALCIURIA; POTASSIUM AND MAGNESIUM DEPLETION. Identifiers: Orphanet 358, MedGen C0268450, MONDO:0009904, OMIM 263800.

Submission:

European Hospital Georges Pompidou Genetics Department, Assistance Publique - Hôpitaux de Paris AP-HP
Classification: Likely pathogenic for Familial hypokalemia-hypomagnesemia. Last evaluated: 2022-04-27. Review status: criteria provided, single submitter. Criteria: ACMG Guidelines, 2015. Collection method: clinical testing, in vitro. Allele origin: germline. Affected: yes.
Comment: ACMG criteria used:PS3 PM2 PM3

NM_001126108.2(SLC12A3):c.2420-37_2420-19del

Gene: SLC12A3 (solute carrier family 12 member 3; plus strand). Cytogenetic location: 16q13.
Variant type: Deletion.
Coding change: c.2420-37_2420-19del on transcript NM_001126108.2 (MANE Select); 37 bases into the intron before coding-DNA position 2420 through 19 bases into the intron before coding-DNA position 2420, 19 bases deleted (TGCTGGCTCTGCTCTGACC).
Molecular consequence: intron variant.
Genome position (GRCh38, 1-based): chr16:56,892,916-56,892,934, TGCTGGCTCTGCTCTGACC deleted; deleting any 19 consecutive bases within chr16:56,892,915-56,892,934 gives the same sequence; the c. name uses the placement nearest the transcript's 3' end. VCF-style (leftmost placement, unchanged base first): chr16-56892914-GCTGCTGGCTCTGCTCTGAC-G. GRCh37 (hg19) VCF-style: chr16-56926826-GCTGCTGGCTCTGCTCTGAC-G.
Other names: c.2447-37_2447-19del (NM_000339.3); c.2444-37_2444-19del (NM_001126107.2).
Identifiers: ClinVar variation 1684171 (VCV001684171.1), dbSNP rs760759330, ClinGen allele CA8069902.